The following is an entry in ClinVar:

NM_000051.4(ATM):c.9086G>A (p.Gly3029Asp)

Genes: ATM (ATM serine/threonine kinase; plus strand), C11orf65 (chromosome 11 open reading frame 65; minus strand). Cytogenetic location: 11q22.3.
Variant type: single nucleotide variant.
Coding change: c.9086G>A on transcript NM_000051.4 (MANE Select); coding-DNA position 9086, G replaced by A.
Protein change: p.Gly3029Asp; replaces glycine 3029 with aspartic acid.
Molecular consequence: missense variant. On other transcripts: intron variant (2).
Genome position (GRCh38, 1-based): chr11:108,365,423, G>A. VCF-style: chr11-108365423-G-A. GRCh37 (hg19) VCF-style: chr11-108236150-G-A.
Other names: p.G3029D:GGT>GAT; c.9086G>A, p.Gly3029Asp (NM_001351834.2); c.640+20497C>T (NM_001330368.2); c.694+20497C>T (NM_001351110.2); short protein forms G3029D.
Identifiers: ClinVar variation 127468 (VCV000127468.86), dbSNP rs201199629, ClinGen allele CA287042.

ClinVar aggregate classification (germline): Conflicting classifications of pathogenicity. Review status: criteria provided, conflicting classifications (1 of 4 stars). 28 submissions from 28 submitters: Uncertain significance (19); Likely benign (5). 4 of the submissions do not count toward it. Last evaluated 2026-02-02.

Conditions:
Ataxia-telangiectasia syndrome (AT). Also called: Ataxia-telangiectasia, complementation group D; AT, COMPLEMENTATION GROUP C; Ataxia-telangiectasia; ATAXIA-TELANGIECTASIA, COMPLEMENTATION GROUP A; ATAXIA-TELANGIECTASIA, FRESNO VARIANT; Ataxia-telangiectasia, complementation group E. Identifiers: Orphanet 100, MedGen C0004135, MONDO:0008840, OMIM 208900.
Malignant tumor of breast. Also called: Malignant breast neoplasm; Cancer breast. Identifiers: MedGen C0006142, MONDO:0007254. Disease mechanism: loss of function.
ATM-related cancer predisposition. Also called: ATM-related cancer susceptibility. Identifiers: MedGen CN377759, MONDO:0700270.
ATM-related disorder. Also called: ATM-related disorders; ATM-related condition.
Breast and/or ovarian cancer. Identifiers: MedGen CN221562.
Hereditary cancer-predisposing syndrome. Also called: Neoplastic Syndromes, Hereditary; Hereditary Cancer Syndrome; Tumor predisposition; Hereditary neoplastic syndrome. Identifiers: Orphanet 140162, MedGen C0027672, MeSH D009386, MONDO:0015356.
Hereditary breast ovarian cancer syndrome. Also called: BRCA1- and BRCA2-Associated Hereditary Breast and Ovarian Cancer; Hereditary breast and ovarian cancer syndrome; Hereditary breast and ovarian cancer syndrome (HBOC); Hereditary breast and/or ovarian cancer syndrome; Hereditary breast and ovarian cancer; Breast and ovarian cancer. Identifiers: Orphanet 145, MedGen C0677776, MeSH D061325, MONDO:0003582. Disease mechanism: loss of function.
Familial cancer of breast. Also called: BREAST CANCER, FAMILIAL; hereditary breast carcinoma; Hereditary breast cancer. Identifiers: Orphanet 227535, MedGen C0346153, MONDO:0016419, OMIM 114480. Disease mechanism: loss of function.

Allele frequency attached by ClinVar (database versions not stated): ESP Exome Variant Server 0.00031; gnomAD 0.00015 and 0.00016; TOPMed 0.00018.
gnomAD v4.1: 630 of 1,614,062 alleles (0.039%); highest among the groups gnomAD compares: Non-Finnish European, 0.052%; no homozygotes.

Submissions 1 to 14 of 28:

Labcorp Genetics (formerly Invitae), Labcorp
Classification: Likely benign for Ataxia-telangiectasia syndrome. Last evaluated: 2026-02-02. Review status: criteria provided, single submitter. Criteria: Invitae Variant Classification Sherloc (09022015). Collection method: clinical testing. Allele origin: germline.

GeneDx
Classification: Uncertain significance. Last evaluated: 2026-01-07. Review status: criteria provided, single submitter. Criteria: GeneDx Variant Classification Process June 2021. Collection method: clinical testing. Allele origin: germline. Affected: yes.
Comment: Reported in a multi-ethnic exome array study; however, no statistically significant association with breast cancer was identified after correcting for multiple comparisons (PMID: 23555315); Reported in individuals with breast, ovarian, colorectal, pancreatic, and other cancers, but also observed in control subjects (PMID: 19781682, 26689913, 28779002, 27978560, 28652578, 28135145, 28726808, 29522266, 29684080, 33134171, 35264596, 35534704, 32885271, 25186627, 20305132, 34326862, 35047863); In silico analysis suggests that this missense variant does not alter protein structure/function; This variant is associated with the following publications: (PMID: 19781682, 21787400, 26689913, 26787654, 27978560, 28779002, 28135145, 28726808, 26917275, 29522266, 29684080, 28652578, 25759019, 33134171, 35047863, 35264596, 32885271, 20305132, 35534704, 34326862, 25186627, Kamgar[CaseReport]2023, 23555315, 36315919, 23532176, 40105422)

Center for Genomic Medicine, Rigshospitalet, Copenhagen University Hospital
Classification: Uncertain significance. Last evaluated: 2025-12-29. Review status: criteria provided, single submitter. Criteria: ACMG Guidelines, 2015. Collection method: clinical testing. Allele origin: germline.

PreventionGenetics, part of Exact Sciences
Classification: Uncertain significance for ATM-related condition. Last evaluated: 2025-11-20. Review status: criteria provided, single submitter. Criteria: ACMG Guidelines, 2015. Collection method: clinical testing. Allele origin: germline.
Comment: The ATM c.9086G>A variant is predicted to result in the amino acid substitution p.Gly3029Asp. This variant has been reported in individuals with a history of breast, ovarian, and colorectal cancers (Table S2, Tavtigian et al. 2009. PubMed ID: 19781682; Supplementary Data 12, Lu et al. 2015. PubMed ID: 26689913; eTable 2, Pearlman et al. 2017. PubMed ID: 27978560; Table A4, Yurgelun et al. 2017. PubMed ID: 28135145), but has also been identified in control cohorts (Table S2, Tavtigian et al. 2009. PubMed ID: 19781682). This variant is reported in 0.025% of alleles in individuals of European (Non-Finnish) descent in gnomAD and has conflicting interpretations regarding its pathogenicity in ClinVar, ranging from likely benign to uncertain (Variation ID: 127468). Although we suspect that this variant may be benign, at this time, the clinical significance of this variant is uncertain due to the absence of conclusive functional and genetic evidence.

Dasa
Classification: Uncertain significance for ATM-related cancer predisposition. Last evaluated: 2025-05-23. Review status: criteria provided, single submitter. Criteria: DASA Assertion Criteria. Collection method: clinical testing. Allele origin: germline.
Comment: NM_000051.4(ATM):c.9086G>A (p.Gly3029Asp) is a missense variant that results in the substitution of glycine with aspartic acid. This variant is rare in population databases. Computational prediction algorithms are consistent with a benign effect. The currently available literature and clinical evidence are not sufficient to establish a definitive association between this variant and the reported condition. Therefore, this variant is classified as a variant of uncertain significance.

Molecular Pathology, Peter Maccallum Cancer Centre
Classification: Uncertain significance for Ataxia-telangiectasia syndrome. Last evaluated: 2025-04-16. Review status: criteria provided, single submitter. Criteria: ACMG Guidelines, 2015. Collection method: clinical testing. Allele origin: germline. Inheritance: Autosomal recessive inheritance.

Mayo Clinic Laboratories, Mayo Clinic
Classification: Uncertain significance. Last evaluated: 2025-03-03. Review status: criteria provided, single submitter. Criteria: ACMG Guidelines, 2015. Collection method: clinical testing. Allele origin: germline. Observed: 3 variant alleles.
Comment: BP4

Ambry Genetics
Classification: Likely benign for Hereditary cancer-predisposing syndrome. Last evaluated: 2025-02-28. Review status: criteria provided, single submitter. Criteria: Ambry Variant Classification Scheme 2023. Collection method: clinical testing. Allele origin: germline.

Quest Diagnostics Nichols Institute San Juan Capistrano
Classification: Uncertain significance. Last evaluated: 2024-12-31. Review status: criteria provided, single submitter. Criteria: Quest Diagnostics criteria. Collection method: clinical testing. Allele origin: unknown.

Blueprint Genetics
Classification: Uncertain significance. Last evaluated: 2024-11-19. Review status: criteria provided, single submitter. Criteria: ACMG Guidelines, 2015. Collection method: clinical testing. Allele origin: germline.

Color Diagnostics, LLC DBA Color Health
Classification: Likely benign for Hereditary cancer-predisposing syndrome. Last evaluated: 2024-09-17. Review status: criteria provided, single submitter. Criteria: ACMG Guidelines, 2015. Collection method: clinical testing. Allele origin: germline.

Women's Health and Genetics/Laboratory Corporation of America, LabCorp
Classification: Likely benign. Last evaluated: 2024-09-03. Review status: criteria provided, single submitter. Criteria: LabCorp Variant Classification Summary - May 2015. Collection method: clinical testing. Allele origin: germline.
Comment: Variant summary: ATM c.9086G>A (p.Gly3029Asp) results in a non-conservative amino acid change located in the Phosphatidylinositol 3-/4-kinase, catalytic domain (IPR000403) of the encoded protein sequence. Three of five in-silico tools predict a benign effect of the variant on protein function. The variant allele was found at a frequency of 0.00013 in 256260 control chromosomes. This frequency is not significantly higher than estimated for a pathogenic variant in ATM causing Ataxia-Telangiectasia, allowing no conclusion about variant significance. However, this variant has also been reported in 2/2559 African American women and 8/7325 European American women (i.e. with an allele frequency of 0.001012 in 9884 subjects) who were older than age 70 and cancer free (FLOSSIES database), supporting a benign role for the variant. c.9086G>A has been reported in the literature as a VUS in individuals undergoing multigene panel testing for a variety of cancer types and has recently been reported to not segregate with disease in at-least one family with a history of breast/colorectal cancer (example, Bernstein_2010, Lu_2015, Pearlman_2016, Tavtigian_2009, Tung_2015, Yurgelun_2017, Jesinghaus_2016, Grasel_2020, de Oliveira_2022, Guindalini_2022). These report(s) do not provide unequivocal conclusions about association of the variant with Ataxia-Telangiectasia. To our knowledge, no experimental evidence demonstrating an impact on protein function has been reported. The following publications have been ascertained in the context of this evaluation (PMID: 20305132, 33134171, 35264596, 26917275, 26689913, 27978560, 19781682, 25186627, 26787654, 28135145, 35534704). ClinVar contains an entry for this variant (Variation ID: 127468). Based on the evidence outlined above, the variant was classified as likely benign.

Myriad Genetics, Inc.
Classification: Likely benign for Familial cancer of breast. Last evaluated: 2024-06-24. Review status: criteria provided, single submitter. Criteria: Myriad Autosomal Dominant, Autosomal Recessive and X-Linked Classification Criteria (2023). Collection method: clinical testing. Allele origin: unknown.
Comment: This variant is considered likely benign. This variant is strongly associated with less severe personal and family histories of cancer, typical for individuals without pathogenic variants in this gene [PMID: 25085752].

CeGaT Center for Human Genetics Tuebingen
Classification: Uncertain significance. Last evaluated: 2023-11-01. Review status: criteria provided, single submitter. Criteria: CeGaT Center For Human Genetics Tuebingen Variant Classification Criteria Version 2. Collection method: clinical testing. Allele origin: germline. Affected: yes. Observed: 1 variant allele.